The following is an entry in ClinVar:

NM_001134363.3(RBM20):c.1986G>A (p.Pro662=)

Gene: RBM20 (RNA binding motif protein 20; plus strand). Cytogenetic location: 10q25.2.
Variant type: single nucleotide variant.
Coding change: c.1986G>A on transcript NM_001134363.3 (MANE Select); coding-DNA position 1986, G replaced by A.
Protein change: p.Pro662=; no amino-acid change (proline 662 retained).
Molecular consequence: synonymous variant.
Genome position (GRCh38, 1-based): chr10:110,812,383, G>A. VCF-style: chr10-110812383-G-A. GRCh37 (hg19) VCF-style: chr10-112572141-G-A.
Other names: p.P662P:CCG>CCA; p.Pro662=.
Identifiers: ClinVar variation 138900 (VCV000138900.62), dbSNP rs537723089, ClinGen allele CA184745.

ClinVar aggregate classification (germline): Conflicting classifications of pathogenicity. Review status: criteria provided, conflicting classifications (1 of 4 stars). 18 submissions from 18 submitters: Uncertain significance (1); Benign (8); Likely benign (3). 6 of the submissions do not count toward it. Last evaluated 2026-08-01.

Conditions:
Cardiovascular phenotype. Identifiers: MedGen CN230736.
RBM20-related disorder. Also called: RBM20-related condition.
Cardiomyopathy (CMYO). Also called: Cardiomyopathies. Identifiers: Orphanet 167848, MedGen C0878544, MONDO:0004994, HP:0001638. Inheritance: Various modes of inheritance.
Dilated cardiomyopathy 1DD (CMD1DD). Identifiers: Orphanet 154, MedGen C2750995, MONDO:0013168, OMIM 613172.

Allele frequency attached by ClinVar (database versions not stated): 1000 Genomes Project 0.00100; TOPMed 0.00106; 1000 Genomes Project 30x 0.00141; gnomAD exomes 0.00166 and 0.00288; gnomAD 0.00223 and 0.00233; ExAC 0.00229.
gnomAD v4.1: 2,632 of 1,551,602 alleles (0.17%); highest among the groups gnomAD compares: Non-Finnish European, 0.13%; 14 homozygotes.

Submissions (18):

CeGaT Center for Human Genetics Tuebingen
Classification: Likely benign. Last evaluated: 2026-08-01. Review status: criteria provided, single submitter. Criteria: CeGaT Center For Human Genetics Tuebingen Variant Classification Criteria Version 2. Collection method: clinical testing. Allele origin: germline. Affected: yes. Observed: 7 variant alleles.
Comment: RBM20: BP4, BP7

Labcorp Genetics (formerly Invitae), Labcorp
Classification: Benign for Dilated cardiomyopathy 1DD. Last evaluated: 2026-02-03. Review status: criteria provided, single submitter. Criteria: Invitae Variant Classification Sherloc (09022015). Collection method: clinical testing. Allele origin: germline.

Mayo Clinic Laboratories, Mayo Clinic
Classification: Benign. Last evaluated: 2025-09-24. Review status: criteria provided, single submitter. Criteria: ACMG Guidelines, 2015. Collection method: clinical testing. Allele origin: germline. Observed: 3 variant alleles.
Comment: BS1, BS2, BP4, BP7

ARUP Laboratories, Molecular Genetics and Genomics, ARUP Laboratories
Classification: Benign for Dilated cardiomyopathy 1DD. Last evaluated: 2025-07-23. Review status: criteria provided, single submitter. Criteria: ARUP Molecular Germline Variant Investigation Process 2024. Collection method: clinical testing. Allele origin: germline.

Molecular Diagnostic Laboratory for Inherited Cardiovascular Disease, Montreal Heart Institute
Classification: Benign. Last evaluated: 2025-04-09. Review status: criteria provided, single submitter. Criteria: ACMG Guidelines, 2015. Collection method: clinical testing. Allele origin: germline. Affected: no.

Blueprint Genetics
Classification: Likely benign. Last evaluated: 2024-11-22. Review status: criteria provided, single submitter. Criteria: ACMG Guidelines, 2015. Collection method: clinical testing. Allele origin: germline.

Women's Health and Genetics/Laboratory Corporation of America, LabCorp
Classification: Benign. Last evaluated: 2021-03-25. Review status: criteria provided, single submitter. Criteria: LabCorp Variant Classification Summary - May 2015. Collection method: clinical testing. Allele origin: germline.

Illumina Laboratory Services, Illumina
Classification: Uncertain significance for Dilated cardiomyopathy 1DD. Last evaluated: 2018-01-13. Review status: criteria provided, single submitter. Criteria: ICSL Variant Classification Criteria 13 December 2019. Collection method: clinical testing. Allele origin: germline.

Ambry Genetics
Classification: Benign for Cardiovascular phenotype. Last evaluated: 2016-08-18. Review status: criteria provided, single submitter. Criteria: Ambry Variant Classification Scheme 2023. Collection method: clinical testing. Allele origin: germline.

CHEO Genetics Diagnostic Laboratory, Children's Hospital of Eastern Ontario
Classification: Likely benign for Cardiomyopathy. Last evaluated: 2016-07-20. Review status: criteria provided, single submitter. Criteria: ACMG Guidelines, 2015. Collection method: clinical testing. Allele origin: germline. Study: Canadian Open Genetics Repository.

Laboratory for Molecular Medicine, Mass General Brigham Personalized Medicine
Classification: Benign. Last evaluated: 2015-07-22. Review status: criteria provided, single submitter. Criteria: LMM Criteria. Collection method: clinical testing. Allele origin: germline. Observed: 2 variant alleles.
Comment: p.Pro662Pro in exon 9 of RBM20: This variant is not expected to have clinical si gnificance because it has been identified in 2.9% (22/770) of Finnish chromosome s by the Exome Aggregation Consortium (ExAC.; db SNP rs537723089).

GeneDx
Classification: Benign. Last evaluated: 2013-03-18. Review status: criteria provided, single submitter. Criteria: GeneDx Variant Classification (06012015). Collection method: clinical testing. Allele origin: germline. Affected: yes.
Comment: This variant is considered likely benign or benign based on one or more of the following criteria: it is a conservative change, it occurs at a poorly conserved position in the protein, it is predicted to be benign by multiple in silico algorithms, and/or has population frequency not consistent with disease.

PreventionGenetics, part of Exact Sciences
Classification: Benign for RBM20-related condition. Last evaluated: 2019-11-19. Review status: no assertion criteria provided. Collection method: clinical testing. Allele origin: germline. Not counted in ClinVar's aggregate classification.
Comment: This variant is classified as benign based on ACMG/AMP sequence variant interpretation guidelines (Richards et al. 2015 PMID: 25741868, with internal and published modifications).

Clinical Genetics DNA and cytogenetics Diagnostics Lab, Erasmus MC, Erasmus Medical Center
Classification: Benign. Review status: no assertion criteria provided. Collection method: clinical testing. Allele origin: germline. Affected: yes. Study: VKGL Data-share Consensus. Not counted in ClinVar's aggregate classification.

Clinical Genetics, Academic Medical Center
Classification: Benign. Review status: no assertion criteria provided. Collection method: clinical testing. Allele origin: germline. Affected: yes. Study: VKGL Data-share Consensus. Not counted in ClinVar's aggregate classification.

Diagnostic Laboratory, Department of Genetics, University Medical Center Groningen
Classification: Likely benign for Dilated cardiomyopathy 1DD. Review status: no assertion criteria provided. Collection method: clinical testing. Allele origin: germline. Affected: yes. Study: VKGL Data-share Consensus. Not counted in ClinVar's aggregate classification.

Genome Diagnostics Laboratory, University Medical Center Utrecht
Classification: Likely benign. Review status: no assertion criteria provided. Collection method: clinical testing. Allele origin: germline. Affected: yes. Study: VKGL Data-share Consensus. Not counted in ClinVar's aggregate classification.

Joint Genome Diagnostic Labs from Nijmegen and Maastricht, Radboudumc and MUMC+
Classification: Likely benign. Review status: no assertion criteria provided. Collection method: clinical testing. Allele origin: germline. Affected: yes. Study: VKGL Data-share Consensus. Not counted in ClinVar's aggregate classification.